The following is an entry in ClinVar:

ClinVar aggregate classification (germline): Uncertain significance (1 of 4 stars; one submission).

Conditions:
Autoimmune lymphoproliferative syndrome type 2B. Also called: AUTOIMMUNE LYMPHOPROLIFERATIVE SYNDROME, TYPE IIB. Identifiers: Orphanet 275517, MedGen C1846545, MONDO:0011804, OMIM 607271.

Submission:

Labcorp Genetics (formerly Invitae), Labcorp
Classification: Uncertain significance for Autoimmune lymphoproliferative syndrome type 2B. Last evaluated: 2021-10-28. Review status: criteria provided, single submitter. Criteria: Invitae Variant Classification Sherloc (09022015). Collection method: clinical testing. Allele origin: germline.
Comment: In summary, the available evidence is currently insufficient to determine the role of this variant in disease. Therefore, it has been classified as a Variant of Uncertain Significance. Algorithms developed to predict the effect of missense changes on protein structure and function output the following: SIFT: "Tolerated"; PolyPhen-2: "Benign"; Align-GVGD: "Class C0". The isoleucine amino acid residue is found in multiple mammalian species, which suggests that this missense change does not adversely affect protein function. This variant has not been reported in the literature in individuals affected with CASP8-related conditions. This variant is not present in population databases (gnomAD no frequency). This sequence change replaces threonine, which is neutral and polar, with isoleucine, which is neutral and non-polar, at codon 390 of the CASP8 protein (p.Thr390Ile).

NM_001372051.1(CASP8):c.1118C>T (p.Thr373Ile)

Gene: CASP8 (caspase 8; plus strand). Cytogenetic location: 2q33.1.
Variant type: single nucleotide variant.
Coding change: c.1118C>T on transcript NM_001372051.1 (MANE Select); coding-DNA position 1118, C replaced by T.
Protein change: p.Thr373Ile; replaces threonine 373 with isoleucine.
Molecular consequence: missense variant. On other transcripts: non-coding transcript variant (22), intron variant (1).
Genome position (GRCh38, 1-based): chr2:201,285,131, C>T. VCF-style: chr2-201285131-C-T. GRCh37 (hg19) VCF-style: chr2-202149854-C-T.
Other names: c.1073C>T, p.Thr358Ile (NM_001080124.2, NM_001400658.1, NM_001400659.1 and 5 more transcripts); c.1295C>T, p.Thr432Ile (NM_001080125.2); c.1169C>T, p.Thr390Ile (NM_001228.5); c.1250C>T, p.Thr417Ile (NM_001400642.1); c.1151C>T, p.Thr384Ile (NM_001400645.1); c.1118C>T, p.Thr373Ile (NM_001400648.1, NM_001400651.1, NM_001400653.1 and 5 more transcripts); c.1049C>T, p.Thr350Ile (NM_001400664.1); c.1043C>T, p.Thr348Ile (NM_001400665.1); and 7 more; short protein forms T432I, T373I, T358I, T390I, T159I, T168I, T174I, T270I.
Identifiers: ClinVar variation 1450169 (VCV001450169.6), dbSNP rs2125486142, ClinGen allele CA350301597.
Genomic context (GRCh38, chr2:201,285,131, plus strand): 5'-AAGTGTTTTTTATTCAGGCTTGTCAGGGGGATAACTACCAGAAAGGTATACCTGTTGAGA[C>T]TGATTCAGAGGAGCAACCCTATTTAGAAATGGATTTATCATCACCTCAAACGAGATATAT-3'
Protein context (NP_001358980.1, residues 363-383): DNYQKGIPVE[Thr373Ile]DSEEQPYLEM